The following is an entry in ClinVar:

NM_000632.4(ITGAM):c.2740G>A (p.Glu914Lys)

Gene: ITGAM (integrin subunit alpha M; plus strand). Cytogenetic location: 16p11.2.
Variant type: single nucleotide variant.
Coding change: c.2740G>A on transcript NM_000632.4 (MANE Select); coding-DNA position 2740, G replaced by A.
Protein change: p.Glu914Lys; replaces glutamic acid 914 with lysine.
Molecular consequence: missense variant.
Genome position (GRCh38, 1-based): chr16:31,328,178, G>A. VCF-style: chr16-31328178-G-A. GRCh37 (hg19) VCF-style: chr16-31339499-G-A.
Other names: c.2743G>A, p.Glu915Lys (NM_001145808.2); short protein forms E914K, E915K.
Identifiers: ClinVar variation 4771973 (VCV004771973.1).
Genomic context (GRCh38, chr16:31,328,178, plus strand): 5'-GCCGGCTGGAGCTCTTTCTTTCCCTCCAGTGAGAACAACATGCCCAGAACCAACAAAACC[G>A]AATTCCAACTGGAGCTGCCGGTGAAATATGCTGTCTACATGGTGGTCACCAGGTGCTGGC-3'
Protein context (NP_000623.2, residues 904-924): ENNMPRTNKT[Glu914Lys]FQLELPVKYA

ClinVar aggregate classification (germline): Uncertain significance (1 of 4 stars; one submission).

gnomAD v4.1: 3 of 1,613,844 alleles (0.00019%); highest among the groups gnomAD compares: South Asian, 0.0022%; no homozygotes.

Submission:

Labcorp Genetics (formerly Invitae), Labcorp
Classification: Uncertain significance. Last evaluated: 2025-04-09. Review status: criteria provided, single submitter. Criteria: Invitae Variant Classification Sherloc (09022015). Collection method: clinical testing. Allele origin: germline.
Comment: This sequence change replaces glutamic acid, which is acidic and polar, with lysine, which is basic and polar, at codon 914 of the ITGAM protein (p.Glu914Lys). This variant is present in population databases (rs750467051, gnomAD 0.003%). This variant has not been reported in the literature in individuals affected with ITGAM-related conditions. An algorithm developed to predict the effect of missense changes on protein structure and function outputs the following: PolyPhen-2: "Benign". The lysine amino acid residue is found in multiple mammalian species, which suggests that this missense change does not adversely affect protein function. In summary, the available evidence is currently insufficient to determine the role of this variant in disease. Therefore, it has been classified as a Variant of Uncertain Significance.